The following is an entry in ClinVar:

ClinVar aggregate classification (germline): Uncertain significance (1 of 4 stars; one submission).

Conditions:
Arrhythmogenic cardiomyopathy with wooly hair and keratoderma. Also called: PALMOPLANTAR KERATODERMA WITH LEFT VENTRICULAR CARDIOMYOPATHY AND WOOLLY HAIR; Carvajal syndrome; Dilated cardiomyopathy with woolly hair and keratoderma; Arrhythmogenic cardiomyopathy with woolly hair and keratoderma. Identifiers: Orphanet 65282, MedGen C1854063, MONDO:0011581, OMIM 605676.
Arrhythmogenic right ventricular dysplasia 8 (ARVD8). Also called: Arrhythmogenic Right Ventricular Dysplasia/Cardiomyopathy 8; ARRHYTHMOGENIC RIGHT VENTRICULAR DYSPLASIA, FAMILIAL, 8; ARRHYTHMOGENIC RIGHT VENTRICULAR CARDIOMYOPATHY 8. Identifiers: MedGen C1843896, MONDO:0011831, OMIM 607450.

gnomAD v4.1: 3 of 1,613,926 alleles (0.00019%); highest among the groups gnomAD compares: Non-Finnish European, 0.00025%; no homozygotes.

Submission:

Labcorp Genetics (formerly Invitae), Labcorp
Classification: Uncertain significance for Arrhythmogenic cardiomyopathy with wooly hair and keratoderma; Arrhythmogenic right ventricular dysplasia 8. Last evaluated: 2025-11-08. Review status: criteria provided, single submitter. Criteria: Invitae Variant Classification Sherloc (09022015). Collection method: clinical testing. Allele origin: germline.
Comment: This sequence change replaces arginine, which is basic and polar, with serine, which is neutral and polar, at codon 1340 of the DSP protein (p.Arg1340Ser). This variant is present in population databases (rs768628788, gnomAD 0.0009%). This variant has not been reported in the literature in individuals affected with DSP-related conditions. An algorithm developed to predict the effect of missense changes on protein structure and function (PolyPhen-2) suggests that this variant is likely to be tolerated. In summary, the available evidence is currently insufficient to determine the role of this variant in disease. Therefore, it has been classified as a Variant of Uncertain Significance.

NM_004415.4(DSP):c.4018C>A (p.Arg1340Ser)

Gene: DSP (desmoplakin; plus strand). Cytogenetic location: 6p24.3.
Variant type: single nucleotide variant.
Coding change: c.4018C>A on transcript NM_004415.4 (MANE Select); coding-DNA position 4018, C replaced by A.
Protein change: p.Arg1340Ser; replaces arginine 1340 with serine.
Molecular consequence: missense variant. On other transcripts: intron variant (1).
Genome position (GRCh38, 1-based): chr6:7,580,208, C>A. VCF-style: chr6-7580208-C-A. GRCh37 (hg19) VCF-style: chr6-7580441-C-A.
Other names: c.4018C>A, p.Arg1340Ser (NM_001319034.2); c.3582+436C>A (NM_001008844.3); short protein forms R1340S.
Identifiers: ClinVar variation 4790311 (VCV004790311.1).
Genomic context (GRCh38, chr6:7,580,208, plus strand): 5'-ATTCAGGACAAAAATAAGGAGATCGAGAGACTCAAAGCTGAGTTTCAGGAGGAGGCCAAG[C>A]GCCGCTGGGAATATGAAAATGAACTGAGTAAGGTAAGAAACAATTATGATGAGGAGATCA-3'
Protein context (NP_004406.2, residues 1330-1350): LKAEFQEEAK[Arg1340Ser]RWEYENELSK